The following is an entry in ClinVar:

NM_016648.4(LARP7):c.66del (p.Val23fs)

Gene: LARP7 (La ribonucleoprotein 7, transcriptional regulator; plus strand). Cytogenetic location: 4q25.
Variant type: Deletion.
Coding change: c.66del on transcript NM_016648.4 (MANE Select); coding-DNA position 66, one base deleted (A; older notation c.66delA).
Protein change: p.Val23fs; shifts the reading frame from valine 23.
Molecular consequence: frameshift variant. On other transcripts: 5 prime UTR variant (2).
Genome position (GRCh38, 1-based): chr4:112,644,735, A deleted; the last of 2 consecutive A bases (chr4:112,644,734-112,644,735); deleting either gives the same sequence. VCF-style (leftmost placement, unchanged base first): chr4-112644733-GA-G. GRCh37 (hg19) VCF-style: chr4-113565889-GA-G.
Other names: c.66del, p.Val23fs (NM_001267039.4, NM_001370974.1, NM_001370975.1 and 6 more transcripts); c.-69del (NM_001370981.1, NM_001370982.1); short protein forms V23fs.
Identifiers: ClinVar variation 2035314 (VCV002035314.4), dbSNP rs755380383, ClinGen allele CA3048926.

ClinVar aggregate classification (germline): Pathogenic (1 of 4 stars; one submission).

Submission:

Labcorp Genetics (formerly Invitae), Labcorp
Classification: Pathogenic. Last evaluated: 2023-10-16. Review status: criteria provided, single submitter. Criteria: Invitae Variant Classification Sherloc (09022015). Collection method: clinical testing. Allele origin: germline.
Comment: This sequence change creates a premature translational stop signal (p.Val23Leufs*39) in the LARP7 gene. It is expected to result in an absent or disrupted protein product. Loss-of-function variants in LARP7 are known to be pathogenic (PMID: 22865833, 26374271, 26607181). The frequency data for this variant in the population databases is considered unreliable, as metrics indicate poor data quality at this position in the gnomAD database. This variant has not been reported in the literature in individuals affected with LARP7-related conditions. ClinVar contains an entry for this variant (Variation ID: 2035314). For these reasons, this variant has been classified as Pathogenic.

Literature cited by the submitters: PubMed 22865833; PubMed 26374271; PubMed 26607181.